The following is an entry in ClinVar:

NM_001048174.2(MUTYH):c.60A>C (p.Glu20Asp)

Gene: MUTYH (mutY DNA glycosylase; minus strand). Cytogenetic location: 1p34.1.
Variant type: single nucleotide variant.
Coding change: c.60A>C on transcript NM_001048174.2 (MANE Select); coding-DNA position 60, A replaced by C.
Protein change: p.Glu20Asp; replaces glutamic acid 20 with aspartic acid.
Molecular consequence: missense variant. On other transcripts: 5 prime UTR variant (7), non-coding transcript variant (7).
Genome position (GRCh38, 1-based): chr1:45,334,446, T>G on the plus strand (A>C on the coding strand, the complement: MUTYH is on the minus strand). VCF-style: chr1-45334446-T-G. GRCh37 (hg19) VCF-style: chr1-45800118-T-G.
Other names: c.60A>C, p.Glu20Asp (NM_001048171.2, NM_001048172.2, NM_001048173.2 and 15 more transcripts); c.102A>C, p.Glu34Asp (NM_001128425.2, NM_001293190.2, NM_001407069.1 and 2 more transcripts); c.-153A>C (NM_001293192.2, NM_001293196.2, NM_001407091.1); c.-212A>C (NM_001350650.2); c.-148A>C (NM_001350651.2, NM_001407082.1); c.-97A>C (NM_001407075.1); c.78A>C, p.Glu26Asp (NM_001407087.1); short protein forms E20D, E26D, E34D.
Identifiers: ClinVar variation 4112938 (VCV004112938.1).
Genomic context (GRCh38, chr1:45,334,446, plus strand): 5'-CTTACCATCACAGGCAGAAGGCTTGGCCTGACTGTTGTTCTTAGCATGCTTCTGCCTCCC[T>G]TCCTGGCTGGCTGCCTGCTTCCTGTGACCACTTCCCACGGCTGCTCGTGGCTTCCTCATG-3'
Protein context (NP_001041639.1, residues 10-30): SGHRKQAASQ[Glu20Asp]GRQKHAKNNS

ClinVar aggregate classification (germline): Uncertain significance (1 of 4 stars; one submission).

Conditions:
Hereditary cancer-predisposing syndrome. Also called: Tumor predisposition; Neoplastic Syndromes, Hereditary; Hereditary neoplastic syndrome; Hereditary Cancer Syndrome. Identifiers: Orphanet 140162, MedGen C0027672, MeSH D009386, MONDO:0015356.

Submission:

Ambry Genetics
Classification: Uncertain significance for Hereditary cancer-predisposing syndrome. Last evaluated: 2025-08-27. Review status: criteria provided, single submitter. Criteria: Ambry Variant Classification Scheme 2023. Collection method: clinical testing. Allele origin: germline.
Comment: The p.E34D variant (also known as c.102A>C), located in coding exon 2 of the MUTYH gene, results from an A to C substitution at nucleotide position 102. The glutamic acid at codon 34 is replaced by aspartic acid, an amino acid with highly similar properties. This amino acid position is conserved. In addition, this alteration is predicted to be tolerated by in silico analysis. Based on the available evidence, the clinical significance of this variant remains unclear.